The following is an entry in ClinVar:

NM_004933.3(CDH15):c.683T>A (p.Leu228Gln)

Gene: CDH15 (cadherin 15; plus strand). Cytogenetic location: 16q24.3.
Variant type: single nucleotide variant.
Coding change: c.683T>A on transcript NM_004933.3 (MANE Select); coding-DNA position 683, T replaced by A.
Protein change: p.Leu228Gln; replaces leucine 228 with glutamine.
Molecular consequence: missense variant.
Genome position (GRCh38, 1-based): chr16:89,187,448, T>A. VCF-style: chr16-89187448-T-A. GRCh37 (hg19) VCF-style: chr16-89253856-T-A.
Other names: short protein forms L228Q.
Identifiers: ClinVar variation 1690615 (VCV001690615.2), dbSNP rs2151602072, ClinGen allele CA397138450.

ClinVar aggregate classification (germline): Uncertain significance (1 of 4 stars; one submission).

Submission:

Laboratorio de Genetica e Diagnostico Molecular, Hospital Israelita Albert Einstein
Classification: Uncertain significance. Last evaluated: 2022-04-09. Review status: criteria provided, single submitter. Criteria: ACMG Guidelines, 2015. Collection method: clinical testing. Allele origin: germline. Affected: yes.
Comment: ACMG classification criteria: PM2, PP3